The following is an entry in ClinVar:

ClinVar aggregate classification (germline): Likely benign. Review status: criteria provided, multiple submitters, no conflicts (2 of 4 stars). 3 submissions from 3 submitters: Likely benign (3). Last evaluated 2023-08-04.

Conditions:
Cardiovascular phenotype. Identifiers: MedGen CN230736.
Brugada syndrome 5 (BRGDA5). Identifiers: Orphanet 130, Orphanet 871, MedGen C2748541, MONDO:0013015, OMIM 612838.

Allele frequency attached by ClinVar (database versions not stated): gnomAD 0.00001; ExAC 0.00002; gnomAD exomes 0.00002; TOPMed 0.00002.
gnomAD v4.1: 40 of 1,614,054 alleles (0.0025%); highest among the groups gnomAD compares: African/African-American, 0.0093%; no homozygotes.

Submissions (3):

Labcorp Genetics (formerly Invitae), Labcorp
Classification: Likely benign for Brugada syndrome 5. Last evaluated: 2023-08-04. Review status: criteria provided, single submitter. Criteria: Invitae Variant Classification Sherloc (09022015). Collection method: clinical testing. Allele origin: germline.

Ambry Genetics
Classification: Likely benign for Cardiovascular phenotype. Last evaluated: 2020-12-30. Review status: criteria provided, single submitter. Criteria: Ambry Variant Classification Scheme 2023. Collection method: clinical testing. Allele origin: germline.

GeneDx
Classification: Likely benign. Last evaluated: 2015-12-28. Review status: criteria provided, single submitter. Criteria: GeneDx Variant Classification (06012015). Collection method: clinical testing. Allele origin: germline. Affected: yes.
Comment: This variant is considered likely benign or benign based on one or more of the following criteria: it is a conservative change, it occurs at a poorly conserved position in the protein, it is predicted to be benign by multiple in silico algorithms, and/or has population frequency not consistent with disease.

NM_001037.5(SCN1B):c.594G>A (p.Ser198=)

Gene: SCN1B (sodium voltage-gated channel beta subunit 1; plus strand). Cytogenetic location: 19q13.11.
Variant type: single nucleotide variant.
Coding change: c.594G>A on transcript NM_001037.5 (MANE Select); coding-DNA position 594, G replaced by A.
Protein change: p.Ser198=; no amino-acid change (serine 198 retained).
Molecular consequence: synonymous variant.
Genome position (GRCh38, 1-based): chr19:35,039,638, G>A. VCF-style: chr19-35039638-G-A. GRCh37 (hg19) VCF-style: chr19-35530542-G-A.
Other names: c.495G>A, p.Ser165= (NM_001321605.2).
Identifiers: ClinVar variation 380278 (VCV000380278.11), dbSNP rs112564234, ClinGen allele CA9372119.
Genomic context (GRCh38, chr19:35,039,638, plus strand): 5'-CGGGGGTTGGGTCGGTCTGATGATGGGGTCACTGTATACCTGGCCTTTCCCCCACAGCTC[G>A]GAATACCTGGCCATCACCTCTGAAAGCAAAGAGAACTGCACGGGCGTCCAGGTGGCCGAA-3'
Protein context (NP_001028.1, residues 188-208): ATETAAQENA[Ser198=]EYLAITSESK